The following is an entry in ClinVar:

NM_017654.4(SAMD9):c.4539G>C (p.Gln1513His)

Gene: SAMD9 (sterile alpha motif domain containing 9; minus strand). Cytogenetic location: 7q21.2.
Variant type: single nucleotide variant.
Coding change: c.4539G>C on transcript NM_017654.4 (MANE Select); coding-DNA position 4539, G replaced by C.
Protein change: p.Gln1513His; replaces glutamine 1513 with histidine.
Molecular consequence: missense variant.
Genome position (GRCh38, 1-based): chr7:93,101,559, C>G on the plus strand (G>C on the coding strand, the complement: SAMD9 is on the minus strand). VCF-style: chr7-93101559-C-G. GRCh37 (hg19) VCF-style: chr7-92730872-C-G.
Other names: c.4539G>C, p.Gln1513His (NM_001193307.2); short protein forms Q1513H.
Identifiers: ClinVar variation 4824701 (VCV004824701.1).
Genomic context (GRCh38, chr7:93,101,559, plus strand): 5'-TCGACCTTGTAAACGAAGCAAAAGTTCTTGGACTTTTTCCTCCTTCCACACATCTCCACT[C>G]TGCCACAAGGAATTAATATCTGGTGTCTTCTTAAAGCACTGGTCAATTTTTCCTTTGTGA-3'
Protein context (NP_060124.2, residues 1503-1523): KKTPDINSLW[Gln1513His]SGDVWKEEKV

ClinVar aggregate classification (germline): Uncertain significance (1 of 4 stars; one submission).

Conditions:
Inborn genetic diseases. Identifiers: MedGen C0950123, MeSH D030342.

Submission:

Ambry Genetics
Classification: Uncertain significance for Inborn genetic diseases. Last evaluated: 2026-02-13. Review status: criteria provided, single submitter. Criteria: Ambry Variant Classification Scheme 2023. Collection method: clinical testing. Allele origin: germline.
Comment: The p.Q1513H variant (also known as c.4539G>C), located in coding exon 1 of the SAMD9 gene, results from a G to C substitution at nucleotide position 4539. The glutamine at codon 1513 is replaced by histidine, an amino acid with highly similar properties. This amino acid position is conserved. In addition, this alteration is predicted to be tolerated by in silico analysis. Based on the available evidence, the clinical significance of this variant remains unclear.